The following is an entry in ClinVar:

ClinVar aggregate classification (germline): Uncertain significance. Review status: criteria provided, multiple submitters, no conflicts (2 of 4 stars). 4 submissions from 4 submitters: Uncertain significance (4). Last evaluated 2025-11-05.

Conditions:
Growth delay due to insulin-like growth factor I resistance. Also called: Somatomedin end-organ insensitivity to; Somatomedin-c resistance to; IGF-1 resistance; IGF-I RESISTANCE; Insulin-Like Growth Factor I Resistance. Identifiers: Orphanet 73273, MedGen C1849157, MONDO:0010038, OMIM 270450.

Allele frequency attached by ClinVar (database versions not stated): gnomAD exomes 0.00003 and 0.00013; TOPMed 0.00005; gnomAD 0.00006 and 0.00007; ExAC 0.00008; 1000 Genomes Project 30x 0.00031; 1000 Genomes Project 0.00040.
gnomAD v4.1: 56 of 1,614,046 alleles (0.0035%); highest among the groups gnomAD compares: East Asian, 0.12%; no homozygotes.

Submissions (4):

Labcorp Genetics (formerly Invitae), Labcorp
Classification: Uncertain significance. Last evaluated: 2025-11-05. Review status: criteria provided, single submitter. Criteria: Invitae Variant Classification Sherloc (09022015). Collection method: clinical testing. Allele origin: germline.
Comment: This sequence change replaces alanine, which is neutral and non-polar, with threonine, which is neutral and polar, at codon 1309 of the IGF1R protein (p.Ala1309Thr). This variant is present in population databases (rs542567372, gnomAD 0.2%). This variant has not been reported in the literature in individuals affected with IGF1R-related conditions. ClinVar contains an entry for this variant (Variation ID: 317459). Invitae Evidence Modeling of protein sequence and biophysical properties (such as structural, functional, and spatial information, amino acid conservation, physicochemical variation, residue mobility, and thermodynamic stability) indicates that this missense variant is not expected to disrupt IGF1R protein function with a negative predictive value of 80%. In summary, the available evidence is currently insufficient to determine the role of this variant in disease. Therefore, it has been classified as a Variant of Uncertain Significance.

Blueprint Genetics
Classification: Uncertain significance. Last evaluated: 2024-05-08. Review status: criteria provided, single submitter. Criteria: ACMG Guidelines, 2015. Collection method: clinical testing. Allele origin: germline.

Eurofins Ntd Llc (ga)
Classification: Uncertain significance. Last evaluated: 2018-05-22. Review status: criteria provided, single submitter. Criteria: EGL ClinVar v180209 classification definitions. Collection method: clinical testing. Allele origin: germline. Observed: 2 variant alleles, 2 heterozygotes.

Illumina Laboratory Services, Illumina
Classification: Uncertain significance for Growth delay due to insulin-like growth factor I resistance. Last evaluated: 2018-01-12. Review status: criteria provided, single submitter. Criteria: ICSL Variant Classification Criteria 13 December 2019. Collection method: clinical testing. Allele origin: germline.

NM_000875.5(IGF1R):c.3925G>A (p.Ala1309Thr)

Gene: IGF1R (insulin like growth factor 1 receptor; plus strand). Cytogenetic location: 15q26.3.
Variant type: single nucleotide variant.
Coding change: c.3925G>A on transcript NM_000875.5 (MANE Select); coding-DNA position 3925, G replaced by A.
Protein change: p.Ala1309Thr; replaces alanine 1309 with threonine.
Molecular consequence: missense variant.
Genome position (GRCh38, 1-based): chr15:98,957,263, G>A. VCF-style: chr15-98957263-G-A. GRCh37 (hg19) VCF-style: chr15-99500492-G-A.
Other names: c.3922G>A, p.Ala1308Thr (NM_001291858.2); short protein forms A1308T, A1309T.
Identifiers: ClinVar variation 317459 (VCV000317459.11), dbSNP rs542567372, ClinGen allele CA7752829.